The following is an entry in ClinVar:

NM_004409.5(DMPK):c.*224CTG[265]

Genes: DM1-AS (DM1 locus antisense RNA; plus strand), DMPK (DM1 protein kinase; minus strand), LOC107075317 (origin of replication in DMPK trinucleotide repeat region; plus strand), LOC109461477 (dystrophia myotonica protein kinase repeat instability region; plus strand). Cytogenetic location: 19q13.32.
Variant type: Microsatellite.
Coding change: c.*224CTG[265] on transcript NM_004409.5 (MANE Select); 265 copies in a row of the 3-base unit CTG starting at c.*224.
Molecular consequence: 3 prime UTR variant.
Genome position: GRCh38, VCF-style position (the base before the change): chr19:45,770,204. GRCh37 (hg19), VCF-style position (the base before the change): chr19:46,273,462.
Other names: DM1 CTG repeat expansion; c.*224CTG[265] (NM_001424169.1, NM_001081560.3, NM_001288764.2 and 1 more transcripts); c.*217CTG[265] (NM_001081562.3, NM_001288765.2, NM_001424162.1 and 2 more transcripts); c.*222_*224TGC[265] (NM_001081563.3); c.*369CTG[265] (NM_001288766.2, NM_001424164.1, NM_001424168.1).
Identifiers: ClinVar variation 187951 (VCV000187951.1), ClinGen allele CA915951749.

ClinVar aggregate classification (germline): Pathogenic (0 of 4 stars; one submission).

Conditions:
Steinert myotonic dystrophy syndrome (DM1). Also called: STEINERT DISEASE; Myotonic dystrophy type 1; Dystrophia myotonica type 1; Steinert myotonic dystrophy; Steinert's disease. Identifiers: Orphanet 273, MedGen C3250443, MONDO:0008056, OMIM 160900.

Submission:

Institute of Molecular, Cell and Systems Biology, University of Glasgow
Classification: Pathogenic for Steinert myotonic dystrophy syndrome. Review status: no assertion criteria provided. Criteria: research. Collection method: research. Allele origin: germline. Inheritance: Autosomal dominant inheritance. Affected: yes. Observed: 1 heterozygote.
Comment: DMPK CTG repeat expansions greater than approximately 45-50 repeats are assumed to be pathogenic

This record is based on data published in PubMed 25052313, which reports only ClinVar accessions SCV000120188 and SCV000120189. The complete data set includes SCV000207445 - SCV000207579.

Literature cited by the submitters: PubMed 1346923; PubMed 1546326; PubMed 25052313.